The following is an entry in ClinVar:

ClinVar aggregate classification (germline): Likely benign (1 of 4 stars; one submission).

Submission:

CeGaT Center for Human Genetics Tuebingen
Classification: Likely benign. Last evaluated: 2024-08-01. Review status: criteria provided, single submitter. Criteria: CeGaT Center For Human Genetics Tuebingen Variant Classification Criteria Version 2. Collection method: clinical testing. Allele origin: germline. Affected: yes. Observed: 1 variant allele.
Comment: ZRSR2: PM4, BS1, BS2

NM_005089.4(ZRSR2):c.1320GAGCCG[5] (p.Arg448_Arg449insSerArg)

Gene: ZRSR2 (zinc finger CCCH-type, RNA binding motif and serine/arginine rich 2; plus strand). Cytogenetic location: Xp22.2.
Variant type: Microsatellite.
Coding change: c.1320GAGCCG[5] on transcript NM_005089.4 (MANE Select); five copies in a row of the 6-base unit GAGCCG starting at c.1320; the reference has four copies in a row; one copy, 6 bases duplicated.
Protein change: p.Arg448_Arg449insSerArg.
Genome position (GRCh38, 1-based): chrX:15,823,131-15,823,136, GAGCCG duplicated; duplicating any 6 consecutive bases within chrX:15,823,108-15,823,136 gives the same sequence; the position shown is the placement nearest the transcript's 3' end. VCF-style (leftmost placement, unchanged base first): chrX-15823107-C-CAGCCGG. GRCh37 (hg19) VCF-style: chrX-15841230-C-CAGCCGG.
Identifiers: ClinVar variation 4083522 (VCV004083522.8).
Genomic context (GRCh38, chrX:15,823,107, plus strand): 5'-CAATTCACGAAGCAGAGGAAGAAATAGGGACCGCAGCAGGGACCGCAGCCGGGGCCGGGG[C>CAGCCGG]AGCCGGAGCCGGAGCCGGAGCCGGAGCCGCAGGAGCCGCCGCAGCCGGAGCCAAAGTTCC-3'